The following is an entry in ClinVar:

ClinVar aggregate classification (germline): Pathogenic. Review status: criteria provided, single submitter (1 of 4 stars). 2 submissions from 2 submitters: Pathogenic (1). 1 of the submissions does not count toward it. Last evaluated 2024-09-03.

Conditions:
Surfactant metabolism dysfunction, pulmonary, 2 (SMDP2). Also called: INTERSTITIAL LUNG DISEASE DUE TO SURFACTANT PROTEIN C DEFICIENCY; PULMONARY ALVEOLAR PROTEINOSIS, CONGENITAL, 2; DESQUAMATIVE INTERSTITIAL PNEUMONITIS DUE TO SURFACTANT PROTEIN C DEFICIENCY. Identifiers: Orphanet 440392, MedGen C1970470, MONDO:0024465, OMIM 610913.

Submissions (2):

Labcorp Genetics (formerly Invitae), Labcorp
Classification: Pathogenic. Last evaluated: 2024-09-03. Review status: criteria provided, single submitter. Criteria: Invitae Variant Classification Sherloc (09022015). Collection method: clinical testing. Allele origin: germline.
Comment: This sequence change affects a donor splice site in intron 4 of the SFTPC gene. RNA analysis indicates that disruption of this splice site induces altered splicing and likely results in a shortened protein product. This variant is not present in population databases (gnomAD no frequency). Disruption of this splice site has been observed in individual(s) with clinical features of SFTPC-related conditions (PMID: 11207353, 23625987; internal data). In at least one individual the variant was observed to be de novo. This variant is also known as c.460+1 G>A. ClinVar contains an entry for this variant (Variation ID: 13207). Algorithms developed to predict the effect of variants on gene product structure and function are not available or were not evaluated for this variant. Experimental studies have shown that disruption of this splice site affects SFTPC function (PMID: 12538769, 14525980). Variants that disrupt the consensus splice site are a relatively common cause of aberrant splicing (PMID: 17576681, 9536098). Studies have shown that disruption of this splice site results in skipping of exon 4, but is expected to preserve the integrity of the reading-frame (PMID: 11207353). For these reasons, this variant has been classified as Pathogenic.

OMIM
Classification: Pathogenic for SURFACTANT METABOLISM DYSFUNCTION, PULMONARY, 2. Last evaluated: 2003-02-15. Review status: no assertion criteria provided. Collection method: literature only. Allele origin: germline. Not counted in ClinVar's aggregate classification.

Literature cited by the submitters: PubMed 11207353 (cited by Labcorp Genetics (formerly Invitae), Labcorp); PubMed 23625987 (cited by Labcorp Genetics (formerly Invitae), Labcorp); PubMed 12538769 (cited by Labcorp Genetics (formerly Invitae), Labcorp and OMIM); PubMed 14525980 (cited by Labcorp Genetics (formerly Invitae), Labcorp); PubMed 17576681 (cited by Labcorp Genetics (formerly Invitae), Labcorp); PubMed 9536098 (cited by Labcorp Genetics (formerly Invitae), Labcorp); PubMed 11893657 (cited by OMIM).

NM_001317778.2(SFTPC):c.435+1G>A

Gene: SFTPC (surfactant protein C; plus strand). Cytogenetic location: 8p21.3.
Variant type: single nucleotide variant.
Coding change: c.435+1G>A on transcript NM_001317778.2 (MANE Select); the canonical splice donor site of the intron after coding-DNA position 435, G replaced by A.
Molecular consequence: splice donor variant.
Genome position (GRCh38, 1-based): chr8:22,163,547, G>A. VCF-style: chr8-22163547-G-A. GRCh37 (hg19) VCF-style: chr8-22021060-G-A.
Other names: IVS4DS, G-A, +1; c.435+1G>A (NM_001385655.1, NM_001385654.1, NM_001385656.1 and 8 more transcripts); c.276+1G>A (NM_001385660.1, NM_001317779.2).
Identifiers: ClinVar variation 13207 (VCV000013207.3), dbSNP rs1586422427, ClinGen allele CA370537947.
Genomic context (GRCh38, chr8:22,163,547, plus strand): 5'-ATAGCTCCAGAGAGCATCCCCAGTCTTGAGGCTCTCACTAGAAAAGTCCACAACTTCCAG[G>A]TGTGTGTGTGTGGGTGAAAAGAGTGGGCTGTCTCCCTCCCAGGGCTGCTGGGAGGAGTGT-3'